The following is an entry in ClinVar:

ClinVar aggregate classification (germline): Uncertain significance (1 of 4 stars; one submission).

Conditions:
PEX10-related disorder. Also called: PEX10-related condition.

Submission:

PreventionGenetics, part of Exact Sciences
Classification: Uncertain significance for PEX10-related condition. Last evaluated: 2026-02-10. Review status: criteria provided, single submitter. Criteria: ACMG Guidelines, 2015. Collection method: clinical testing. Allele origin: germline.
Comment: The PEX10 c.959G>C variant is predicted to result in the amino acid substitution p.Trp320Ser. To our knowledge, this variant has not been reported in the literature or in a large population database (gnomAD), indicating this variant is rare. At this time, the clinical significance of this variant is uncertain due to the absence of conclusive functional and genetic evidence.

NM_002617.4(PEX10):c.899G>C (p.Trp300Ser)

Gene: PEX10 (peroxisomal biogenesis factor 10; minus strand). Cytogenetic location: 1p36.32.
Variant type: single nucleotide variant.
Coding change: c.899G>C on transcript NM_002617.4 (MANE Select); coding-DNA position 899, G replaced by C.
Protein change: p.Trp300Ser; replaces tryptophan 300 with serine.
Molecular consequence: missense variant. On other transcripts: non-coding transcript variant (1).
Genome position (GRCh38, 1-based): chr1:2,406,497, C>G on the plus strand (G>C on the coding strand, the complement: PEX10 is on the minus strand). VCF-style: chr1-2406497-C-G. GRCh37 (hg19) VCF-style: chr1-2337936-C-G.
Other names: c.956G>C, p.Trp319Ser (NM_001374425.1); c.524G>C, p.Trp175Ser (NM_001374426.1); c.467G>C, p.Trp156Ser (NM_001374427.1); c.959G>C, p.Trp320Ser (NM_153818.2); short protein forms W156S, W319S, W175S, W300S, W320S.
Identifiers: ClinVar variation 4991227 (VCV004991227.1).